The following is an entry in ClinVar:

NM_001372051.1(CASP8):c.339C>T (p.Ser113=)

Gene: CASP8 (caspase 8; plus strand). Cytogenetic location: 2q33.1.
Variant type: single nucleotide variant.
Coding change: c.339C>T on transcript NM_001372051.1 (MANE Select); coding-DNA position 339, C replaced by T.
Protein change: p.Ser113=; no amino-acid change (serine 113 retained).
Molecular consequence: synonymous variant. On other transcripts: non-coding transcript variant (19), 5 prime UTR variant (11).
Genome position (GRCh38, 1-based): chr2:201,271,549, C>T. VCF-style: chr2-201271549-C-T. GRCh37 (hg19) VCF-style: chr2-202136272-C-T.
Other names: p.Ser145=; c.339C>T, p.Ser113= (NM_001080124.2, NM_001400645.1, NM_001400648.1 and 20 more transcripts); c.516C>T, p.Ser172= (NM_001080125.2, NM_001400642.1, NM_001400665.1); c.435C>T, p.Ser145= (NM_001228.5); c.30C>T, p.Ser10= (NM_001400669.1); c.-194C>T (NM_001400671.1, NM_001400672.1, NM_001400673.1 and 6 more transcripts); c.-375C>T (NM_001400674.1); c.-273C>T (NM_001400680.1).
Identifiers: ClinVar variation 333498 (VCV000333498.43), dbSNP rs17860422, ClinGen allele CA2053535.
Genomic context (GRCh38, chr2:201,271,549, plus strand): 5'-CTAAAGTGTCTCCATTTCCCACCACAGGGTCATGCTCTATCAGATTTCAGAAGAAGTGAG[C>T]AGATCAGAATTGAGGTCTTTTAAGTTTCTTTTGCAAGAGGAAATCTCCAAATGCAAACTG-3'
Protein context (NP_001358980.1, residues 103-123): VMLYQISEEV[Ser113=]RSELRSFKFL

ClinVar aggregate classification (germline): Benign/Likely benign. Review status: criteria provided, multiple submitters, no conflicts (2 of 4 stars). 7 submissions from 7 submitters: Benign (3); Likely benign (4). Last evaluated 2026-04-06.

Conditions:
Autoimmune lymphoproliferative syndrome type 2B. Also called: AUTOIMMUNE LYMPHOPROLIFERATIVE SYNDROME, TYPE IIB. Identifiers: Orphanet 275517, MedGen C1846545, MONDO:0011804, OMIM 607271.
Hepatocellular carcinoma (HCC). Also called: Primary carcinoma of liver; HEPATOMA; LIVER CELL CARCINOMA. Identifiers: Orphanet 88673, MedGen C2239176, MONDO:0007256, OMIM 114550, HP:0001402.
Familial cancer of breast. Also called: hereditary breast carcinoma; Hereditary breast cancer; BREAST CANCER, FAMILIAL. Identifiers: Orphanet 227535, MedGen C0346153, MONDO:0016419, OMIM 114480. Disease mechanism: loss of function.
Lung cancer. Also called: Malignant tumor of lung; Lung cancer, somatic. Identifiers: MedGen C0242379, MONDO:0008903, OMIM 211980.

Allele frequency attached by ClinVar (database versions not stated): 1000 Genomes Project 30x 0.00297; 1000 Genomes Project 0.00300; ESP Exome Variant Server 0.00300; gnomAD 0.00309 and 0.00312; TOPMed 0.00325; gnomAD exomes 0.00347 and 0.00381; ExAC 0.00360.
gnomAD v4.1: 5,987 of 1,608,458 alleles (0.37%); highest among the groups gnomAD compares: Non-Finnish European, 0.43%; 27 homozygotes.

Submissions (7):

Women's Health and Genetics/Laboratory Corporation of America, LabCorp
Classification: Benign. Last evaluated: 2026-04-06. Review status: criteria provided, single submitter. Criteria: LabCorp Variant Classification Summary - May 2015. Collection method: clinical testing. Allele origin: germline.

Labcorp Genetics (formerly Invitae), Labcorp
Classification: Benign for Autoimmune lymphoproliferative syndrome type 2B. Last evaluated: 2026-02-01. Review status: criteria provided, single submitter. Criteria: Invitae Variant Classification Sherloc (09022015). Collection method: clinical testing. Allele origin: germline.

CeGaT Center for Human Genetics Tuebingen
Classification: Likely benign. Last evaluated: 2024-12-01. Review status: criteria provided, single submitter. Criteria: CeGaT Center For Human Genetics Tuebingen Variant Classification Criteria Version 2. Collection method: clinical testing. Allele origin: germline. Affected: yes. Observed: 6 variant alleles.
Comment: CASP8: BP4, BP7, BS2

Mayo Clinic Laboratories, Mayo Clinic
Classification: Benign. Last evaluated: 2023-07-25. Review status: criteria provided, single submitter. Criteria: ACMG Guidelines, 2015. Collection method: clinical testing. Allele origin: germline. Observed: 6 variant alleles.
Comment: BS1, BS2, BP4, BP7

Fulgent Genetics
Classification: Likely benign for Familial cancer of breast; Hepatocellular carcinoma; Lung cancer; Autoimmune lymphoproliferative syndrome type 2B. Last evaluated: 2021-07-27. Review status: criteria provided, single submitter. Criteria: ACMG Guidelines, 2015. Collection method: clinical testing. Allele origin: unknown.

Illumina Laboratory Services, Illumina
Classification: Likely benign for Autoimmune lymphoproliferative syndrome type 2B. Last evaluated: 2018-01-13. Review status: criteria provided, single submitter. Criteria: ICSL Variant Classification Criteria 13 December 2019. Collection method: clinical testing. Allele origin: germline.
Comment: This variant was observed in the ICSL laboratory as part of a predisposition screen in an ostensibly healthy population. It had not been previously curated by ICSL or reported in the Human Gene Mutation Database (HGMD: prior to June 1st, 2018), and was therefore a candidate for classification through an automated scoring system. Utilizing variant allele frequency, disease prevalence and penetrance estimates, and inheritance mode, an automated score was calculated to assess if this variant is too frequent to cause the disease. Based on the score and internal cut-off values, a variant classified as likely benign is not then subjected to further curation. The score for this variant resulted in a classification of likely benign for this disease.

Breakthrough Genomics
Classification: Likely benign. Review status: criteria provided, single submitter. Criteria: ACMG Guidelines, 2015. Collection method: not provided. Allele origin: germline. Inheritance: Autosomal recessive inheritance. Affected: yes.